The following is an entry in ClinVar:

ClinVar aggregate classification (germline): Uncertain significance (1 of 4 stars; one submission).

Conditions:
Neurodevelopmental disorder with language impairment and behavioral abnormalities. Also called: GRIA2-related neurodevelopmental disorder. Identifiers: MedGen C5394502, MONDO:0030060, OMIM 618917.

Submission:

Victorian Clinical Genetics Services, Murdoch Childrens Research Institute
Classification: Uncertain significance for Neurodevelopmental disorder with language impairment and behavioral abnormalities. Last evaluated: 2024-10-10. Review status: criteria provided, single submitter. Criteria: ACMG Guidelines, 2015. Collection method: clinical testing. Allele origin: germline. Inheritance: Autosomal dominant inheritance. Affected: yes.
Comment: Based on the classification scheme VCGS_Germline_v1.3.5, this variant is classified as VUS-3B. Following criteria are met: 0102 - Loss of function is a known mechanism of disease in this gene and is associated with neurodevelopmental disorder with language impairment and behavioural abnormalities (MIM#618917). Gain of function has also been suggested as the mechanism of disease for one missense variant (PMID: 31300657). (I) 0107 - This gene is associated with autosomal dominant disease. (I) 0200 - Variant is predicted to result in a missense amino acid change from lysine to asparagine. (I) 0251 - This variant is heterozygous. (I) 0301 - Variant is absent from gnomAD (v2, v3 and v4). (SP) 0309 - An alternative amino acid change at the same position has been observed in gnomAD (v4; 7 heterozygotes, 0 homozygotes). (I) 0502 - Missense variant with conflicting in silico predictions and uninformative conservation. (I) 0600 - Variant is located in the annotated ANF Receptor domain (DECIPHER). (I) 0705 - No comparable missense variants have previous evidence for pathogenicity. (I) 0807 - This variant has no previous evidence of pathogenicity. (I) 0905 - No published segregation evidence has been identified for this variant. (I) 1007 - No published functional evidence has been identified for this variant. (I) 1207 - Parental origin of the variant is unresolved. (I) Legend: (SP) - Supporting pathogenic, (I) - Information, (SB) - Supporting benign

Literature cited by the submitters: PubMed 31300657.

NM_001083619.3(GRIA2):c.399A>T (p.Lys133Asn)

Gene: GRIA2 (glutamate ionotropic receptor AMPA type subunit 2; plus strand). Cytogenetic location: 4q32.1.
Variant type: single nucleotide variant.
Coding change: c.399A>T on transcript NM_001083619.3 (MANE Select); coding-DNA position 399, A replaced by T.
Protein change: p.Lys133Asn; replaces lysine 133 with asparagine.
Molecular consequence: missense variant.
Genome position (GRCh38, 1-based): chr4:157,303,721, A>T. VCF-style: chr4-157303721-A-T. GRCh37 (hg19) VCF-style: chr4-158224873-A-T.
Other names: c.399A>T, p.Lys133Asn (NM_000826.6); c.258A>T, p.Lys86Asn (NM_001083620.3, NM_001379000.3, NM_001379001.3); short protein forms K133N, K86N.
Identifiers: ClinVar variation 3377108 (VCV003377108.1).